The following is an entry in ClinVar:

ClinVar aggregate classification (germline): Uncertain significance (1 of 4 stars; one submission).

Conditions:
Hereditary nonpolyposis colorectal neoplasms. Identifiers: MedGen C0009405, MeSH D003123.

Allele frequency attached by ClinVar (database versions not stated): gnomAD 0.00004.
gnomAD v4.1: 5 of 135,958 alleles (0.0037%); highest among the groups gnomAD compares: Non-Finnish European, 0.0064%; no homozygotes.

Submission:

Labcorp Genetics (formerly Invitae), Labcorp
Classification: Uncertain significance for Hereditary nonpolyposis colorectal neoplasms. Last evaluated: 2023-09-11. Review status: criteria provided, single submitter. Criteria: Invitae Variant Classification Sherloc (09022015). Collection method: clinical testing. Allele origin: germline.
Comment: In summary, the available evidence is currently insufficient to determine the role of this variant in disease. Therefore, it has been classified as a Variant of Uncertain Significance. Studies have shown that this variant results in activation of a cryptic splice site and introduces a premature termination codon (Invitae). The resulting mRNA is expected to undergo nonsense-mediated decay. This variant has not been reported in the literature in individuals affected with PMS2-related conditions. This variant is present in population databases (no rsID available, gnomAD 0.02%). This sequence change falls in intron 12 of the PMS2 gene. It does not directly change the encoded amino acid sequence of the PMS2 protein. RNA analysis indicates that this variant induces altered splicing and may result in an absent or disrupted protein product.

NM_000535.7(PMS2):c.2175-1024A>G

Gene: PMS2 (PMS1 homolog 2, mismatch repair system component; minus strand). Cytogenetic location: 7p22.1.
Variant type: single nucleotide variant.
Coding change: c.2175-1024A>G on transcript NM_000535.7 (MANE Select); 1024 bases into the intron before coding-DNA position 2175, A replaced by G.
Molecular consequence: intron variant.
Genome position (GRCh38, 1-based): chr7:5,979,720, T>C on the plus strand (A>G on the coding strand, the complement: PMS2 is on the minus strand). VCF-style: chr7-5979720-T-C. GRCh37 (hg19) VCF-style: chr7-6019351-T-C.
Other names: c.1857-1024A>G (NM_001322008.2, NM_001406883.1, NM_001322007.2 and 1 more transcripts); c.1866-1024A>G (NM_001406881.1, NM_001406879.1, NM_001322015.2 and 5 more transcripts); c.1770-1024A>G (NM_001406895.1, NM_001322004.2, NM_001406889.1 and 14 more transcripts); c.1404-1024A>G (NM_001406911.1); c.1614-1024A>G (NM_001322010.2, NM_001406906.1, NM_001406907.1); c.1701-1024A>G (NM_001406902.1, NM_001406901.1); c.1662-1024A>G (NM_001406904.1, NM_001406905.1); c.1602-1024A>G (NM_001322013.2, NM_001406908.1, NM_001406909.1); and 16 more.
Identifiers: ClinVar variation 2760062 (VCV002760062.3), dbSNP rs1471064276, ClinGen allele CA572544291.